The following is an entry in ClinVar:

ClinVar aggregate classification (germline): Uncertain significance (1 of 4 stars; one submission).

Submission:

GeneDx
Classification: Uncertain significance. Last evaluated: 2023-02-28. Review status: criteria provided, single submitter. Criteria: GeneDx Variant Classification Process June 2021. Collection method: clinical testing. Allele origin: germline. Affected: yes.
Comment: Not observed at significant frequency in large population cohorts (gnomAD); In-frame duplication of 31 amino acids in a non-repeat region; Has not been previously published as pathogenic or benign to our knowledge

NM_001195263.2(PDZD7):c.2495_2557dup (p.Ala852_Met853insLysValGlyAlaLysGlnGlyProSerGluSerGlyThrGluGlyThrAlaLysGluAlaAla)

Gene: PDZD7 (PDZ domain containing 7; minus strand). Cytogenetic location: 10q24.31.
Variant type: Duplication.
Coding change: c.2495_2557dup on transcript NM_001195263.2 (MANE Select); coding-DNA positions 2495 to 2557, 63 bases duplicated.
Protein change: p.Ala852_Met853insLysValGlyAlaLysGlnGlyProSerGluSerGlyThrGluGlyThrAlaLysGluAlaAla.
Molecular consequence: inframe insertion.
Genome position (GRCh38, 1-based): chr10:101,010,332-101,010,394, 63 bases duplicated. GRCh37 (hg19): chr10:102,770,100-102,770,162.
Identifiers: ClinVar variation 2578143 (VCV002578143.1), dbSNP rs2492779471, ClinGen allele CA2580617655.